The following is an entry in ClinVar:

NM_001369369.1(FOXN1):c.1304G>A (p.Gly435Asp)

Gene: FOXN1 (forkhead box N1; plus strand). Cytogenetic location: 17q11.2.
Variant type: single nucleotide variant.
Coding change: c.1304G>A on transcript NM_001369369.1 (MANE Select); coding-DNA position 1304, G replaced by A.
Protein change: p.Gly435Asp; replaces glycine 435 with aspartic acid.
Molecular consequence: missense variant.
Genome position (GRCh38, 1-based): chr17:28,534,875, G>A. VCF-style: chr17-28534875-G-A. GRCh37 (hg19) VCF-style: chr17-26861893-G-A.
Other names: c.1304G>A, p.Gly435Asp (NM_003593.3); c.1304G>A (NM_003593.2); short protein forms G435D.
Identifiers: ClinVar variation 1357532 (VCV001357532.9), dbSNP rs762109233, ClinGen allele CA8459498.

ClinVar aggregate classification (germline): Uncertain significance. Review status: criteria provided, multiple submitters, no conflicts (2 of 4 stars). 3 submissions from 3 submitters: Uncertain significance (3). Last evaluated 2025-03-19.

Conditions:
Inborn genetic diseases. Identifiers: MedGen C0950123, MeSH D030342.
T-cell immunodeficiency, congenital alopecia, and nail dystrophy. Also called: Congenital alopecia and nail dystrophy associated with severe functional T-cell immunodeficiency; Pignata Guarino syndrome. Identifiers: Orphanet 169095, MedGen C1866426, MONDO:0011132, OMIM 601705.
FOXN1-related disorder. Also called: FOXN1-related condition.

Allele frequency attached by ClinVar (database versions not stated): gnomAD exomes below 0.00001 and 0.00002; ExAC 0.00002; gnomAD 0.00003 and 0.00004; TOPMed 0.00009.
gnomAD v4.1: 11 of 1,614,078 alleles (0.00068%); highest among the groups gnomAD compares: Admixed American, 0.0083%; no homozygotes.

Submissions (3):

Labcorp Genetics (formerly Invitae), Labcorp
Classification: Uncertain significance for T-cell immunodeficiency, congenital alopecia, and nail dystrophy. Last evaluated: 2025-03-19. Review status: criteria provided, single submitter. Criteria: Invitae Variant Classification Sherloc (09022015). Collection method: clinical testing. Allele origin: germline.
Comment: This sequence change replaces glycine, which is neutral and non-polar, with aspartic acid, which is acidic and polar, at codon 435 of the FOXN1 protein (p.Gly435Asp). This variant is present in population databases (rs762109233, gnomAD 0.007%). This variant has not been reported in the literature in individuals affected with FOXN1-related conditions. ClinVar contains an entry for this variant (Variation ID: 1357532). Invitae Evidence Modeling of protein sequence and biophysical properties (such as structural, functional, and spatial information, amino acid conservation, physicochemical variation, residue mobility, and thermodynamic stability) indicates that this missense variant is not expected to disrupt FOXN1 protein function with a negative predictive value of 80%. In summary, the available evidence is currently insufficient to determine the role of this variant in disease. Therefore, it has been classified as a Variant of Uncertain Significance.

PreventionGenetics, part of Exact Sciences
Classification: Uncertain significance for FOXN1-related condition. Last evaluated: 2025-02-04. Review status: criteria provided, single submitter. Criteria: ACMG Guidelines, 2015. Collection method: clinical testing. Allele origin: germline.
Comment: The FOXN1 c.1304G>A variant is predicted to result in the amino acid substitution p.Gly435Asp. To our knowledge, this variant has not been reported in the literature. This variant is reported in 0.0062% of alleles in individuals of African descent in gnomAD. At this time, the clinical significance of this variant is uncertain due to the absence of conclusive functional and genetic evidence.

Ambry Genetics
Classification: Uncertain significance for Inborn genetic diseases. Last evaluated: 2024-09-09. Review status: criteria provided, single submitter. Criteria: Ambry Variant Classification Scheme 2023. Collection method: clinical testing. Allele origin: germline.